The following is an entry in ClinVar:

ClinVar aggregate classification (germline): Uncertain significance (1 of 4 stars; one submission).

Conditions:
Arrhythmogenic right ventricular dysplasia 8 (ARVD8). Also called: Arrhythmogenic Right Ventricular Dysplasia/Cardiomyopathy 8; ARRHYTHMOGENIC RIGHT VENTRICULAR DYSPLASIA, FAMILIAL, 8; ARRHYTHMOGENIC RIGHT VENTRICULAR CARDIOMYOPATHY 8. Identifiers: MedGen C1843896, MONDO:0011831, OMIM 607450.
Arrhythmogenic cardiomyopathy with wooly hair and keratoderma. Also called: PALMOPLANTAR KERATODERMA WITH LEFT VENTRICULAR CARDIOMYOPATHY AND WOOLLY HAIR; Carvajal syndrome; Dilated cardiomyopathy with woolly hair and keratoderma; Arrhythmogenic cardiomyopathy with woolly hair and keratoderma. Identifiers: Orphanet 65282, MedGen C1854063, MONDO:0011581, OMIM 605676.

Submission:

Labcorp Genetics (formerly Invitae), Labcorp
Classification: Uncertain significance for Arrhythmogenic cardiomyopathy with wooly hair and keratoderma; Arrhythmogenic right ventricular dysplasia 8. Last evaluated: 2022-03-24. Review status: criteria provided, single submitter. Criteria: Invitae Variant Classification Sherloc (09022015). Collection method: clinical testing. Allele origin: germline.
Comment: This variant is not present in population databases (gnomAD no frequency). In summary, the available evidence is currently insufficient to determine the role of this variant in disease. Therefore, it has been classified as a Variant of Uncertain Significance. Algorithms developed to predict the effect of missense changes on protein structure and function are either unavailable or do not agree on the potential impact of this missense change (SIFT: "Tolerated"; PolyPhen-2: "Probably Damaging"; Align-GVGD: "Class C0"). This variant has not been reported in the literature in individuals affected with DSP-related conditions. This sequence change replaces glycine, which is neutral and non-polar, with alanine, which is neutral and non-polar, at codon 2799 of the DSP protein (p.Gly2799Ala).

NM_004415.4(DSP):c.8396G>C (p.Gly2799Ala)

Gene: DSP (desmoplakin; plus strand). Cytogenetic location: 6p24.3.
Variant type: single nucleotide variant.
Coding change: c.8396G>C on transcript NM_004415.4 (MANE Select); coding-DNA position 8396, G replaced by C.
Protein change: p.Gly2799Ala; replaces glycine 2799 with alanine.
Molecular consequence: missense variant.
Genome position (GRCh38, 1-based): chr6:7,585,658, G>C. VCF-style: chr6-7585658-G-C. GRCh37 (hg19) VCF-style: chr6-7585891-G-C.
Other names: c.6599G>C, p.Gly2200Ala (NM_001008844.3); c.7067G>C, p.Gly2356Ala (NM_001319034.2); short protein forms G2356A, G2200A, G2799A.
Identifiers: ClinVar variation 2116382 (VCV002116382.4), dbSNP rs2533951543, ClinGen allele CA362695070.